The following is an entry in ClinVar:

ClinVar aggregate classification (germline): Uncertain significance. Review status: criteria provided, multiple submitters, no conflicts (2 of 4 stars). 2 submissions from 2 submitters: Uncertain significance (2). Last evaluated 2025-02-01.

Conditions:
Inborn genetic diseases. Identifiers: MedGen C0950123, MeSH D030342.
Meckel-Gruber syndrome. Also called: Dysencephalia splachnocystica; DYSENCEPHALIA SPLANCHNOCYSTICA; GRUBER SYNDROME. Identifiers: Orphanet 564, MedGen C0265215, MONDO:0018921.
Joubert syndrome. Also called: Familial aplasia of the vermis; JOUBERT-BOLTSHAUSER SYNDROME. Identifiers: Orphanet 475, MedGen C5979921, MONDO:0018772.

Allele frequency attached by ClinVar (database versions not stated): gnomAD exomes below 0.00001; gnomAD 0.00002; TOPMed 0.00002.
gnomAD v4.1: 4 of 1,613,228 alleles (0.00025%); highest among the groups gnomAD compares: East Asian, 0.0022%; no homozygotes.

Submissions (2):

Ambry Genetics
Classification: Uncertain significance for Inborn genetic diseases. Last evaluated: 2025-02-01. Review status: criteria provided, single submitter. Criteria: Ambry Variant Classification Scheme 2023. Collection method: clinical testing. Allele origin: germline.

Labcorp Genetics (formerly Invitae), Labcorp
Classification: Uncertain significance for Joubert syndrome; Meckel-Gruber syndrome. Last evaluated: 2022-04-04. Review status: criteria provided, single submitter. Criteria: Invitae Variant Classification Sherloc (09022015). Collection method: clinical testing. Allele origin: germline.
Comment: This sequence change replaces arginine, which is basic and polar, with serine, which is neutral and polar, at codon 912 of the CC2D2A protein (p.Arg912Ser). This variant is present in population databases (no rsID available, gnomAD 0.006%). This variant has not been reported in the literature in individuals affected with CC2D2A-related conditions. ClinVar contains an entry for this variant (Variation ID: 954459). Advanced modeling of protein sequence and biophysical properties (such as structural, functional, and spatial information, amino acid conservation, physicochemical variation, residue mobility, and thermodynamic stability) performed at Invitae indicates that this missense variant is expected to disrupt CC2D2A protein function. In summary, the available evidence is currently insufficient to determine the role of this variant in disease. Therefore, it has been classified as a Variant of Uncertain Significance.

NM_001378615.1(CC2D2A):c.2736G>C (p.Arg912Ser)

Genes: FBXL5 (F-box and leucine rich repeat protein 5; minus strand), CC2D2A (coiled-coil and C2 domain containing 2A; plus strand). Cytogenetic location: 4p15.32.
Variant type: single nucleotide variant.
Coding change: c.2736G>C on transcript NM_001378615.1 (MANE Select); coding-DNA position 2736, G replaced by C.
Protein change: p.Arg912Ser; replaces arginine 912 with serine.
Molecular consequence: missense variant.
Genome position (GRCh38, 1-based): chr4:15,557,414, G>C. VCF-style: chr4-15557414-G-C. GRCh37 (hg19) VCF-style: chr4-15559037-G-C.
Other names: c.2736G>C, p.Arg912Ser (NM_001080522.2); c.2589G>C, p.Arg863Ser (NM_001378617.1); short protein forms R863S, R912S.
Identifiers: ClinVar variation 954459 (VCV000954459.8), dbSNP rs1471618183, ClinGen allele CA356412342.